The following is an entry in ClinVar:

ClinVar aggregate classification (germline): Uncertain significance. Review status: criteria provided, multiple submitters, no conflicts (2 of 4 stars). 3 submissions from 3 submitters: Uncertain significance (3). Last evaluated 2022-08-21.

Conditions:
Pityriasis rubra pilaris (PRP). Also called: Pityriasis rubra pilaris--familial type. Identifiers: Orphanet 2897, MedGen C0032027, MONDO:0100017, OMIM 173200, MONDO:0008251.
Psoriasis 2. Identifiers: MedGen C1864497, MONDO:0011269, OMIM 602723.
Inborn genetic diseases. Identifiers: MedGen C0950123, MeSH D030342.

Allele frequency attached by ClinVar (database versions not stated): ExAC 0.00001; gnomAD exomes 0.00001.
gnomAD v4.1: 3 of 1,501,650 alleles (0.0002%); highest among the groups gnomAD compares: Non-Finnish European, 0.00027%; no homozygotes.

Submissions (3):

Labcorp Genetics (formerly Invitae), Labcorp
Classification: Uncertain significance for Pityriasis rubra pilaris; Psoriasis 2. Last evaluated: 2022-08-21. Review status: criteria provided, single submitter. Criteria: Invitae Variant Classification Sherloc (09022015). Collection method: clinical testing. Allele origin: germline.
Comment: In summary, the available evidence is currently insufficient to determine the role of this variant in disease. Therefore, it has been classified as a Variant of Uncertain Significance. Algorithms developed to predict the effect of missense changes on protein structure and function output the following: SIFT: "Tolerated"; PolyPhen-2: "Benign"; Align-GVGD: "Class C0". The glutamine amino acid residue is found in multiple mammalian species, which suggests that this missense change does not adversely affect protein function. ClinVar contains an entry for this variant (Variation ID: 451074). This variant has not been reported in the literature in individuals affected with CARD14-related conditions. This variant is present in population databases (rs781238013, gnomAD 0.001%). This sequence change replaces leucine, which is neutral and non-polar, with glutamine, which is neutral and polar, at codon 281 of the CARD14 protein (p.Leu281Gln).

Ambry Genetics
Classification: Uncertain significance for Inborn genetic diseases. Last evaluated: 2021-08-02. Review status: criteria provided, single submitter. Criteria: Ambry Variant Classification Scheme 2023. Collection method: clinical testing. Allele origin: germline.

GeneDx
Classification: Uncertain significance. Last evaluated: 2017-08-03. Review status: criteria provided, single submitter. Criteria: GeneDx Variant Classification (06012015). Collection method: clinical testing. Allele origin: germline. Affected: yes.
Comment: The L281Q variant in the CARD14 gene has not been reported previously as a pathogenic variant, nor as a benign variant, to our knowledge. This variant is not observed at a significant frequency in large population cohorts (Lek et al., 2016; 1000 Genomes Consortium et al., 2015; Exome Variant Server). The L281Q variant is a non-conservative amino acid substitution, which is likely to impact secondary protein structure as these residues differ in polarity, charge, size and/or other properties. However, this substitution occurs at a position that is not conserved across species, and in silico analysis is inconsistent in its predictions as to whether or not the variant is damaging to the protein structure/function. We interpret L281Q as a variant of uncertain significance.

NM_001366385.1(CARD14):c.842T>A (p.Leu281Gln)

Gene: CARD14 (caspase recruitment domain family member 14; plus strand). Cytogenetic location: 17q25.3.
Variant type: single nucleotide variant.
Coding change: c.842T>A on transcript NM_001366385.1 (MANE Select); coding-DNA position 842, T replaced by A.
Protein change: p.Leu281Gln; replaces leucine 281 with glutamine.
Molecular consequence: missense variant. On other transcripts: non-coding transcript variant (1).
Genome position (GRCh38, 1-based): chr17:80,188,543, T>A. VCF-style: chr17-80188543-T-A. GRCh37 (hg19) VCF-style: chr17-78162342-T-A.
Other names: c.842T>A, p.Leu281Gln (NM_001257970.1, NM_024110.4); c.131T>A, p.Leu44Gln (NM_052819.3); c.842T>A (NM_024110.3); short protein forms L281Q, L44Q.
Identifiers: ClinVar variation 451074 (VCV000451074.8), dbSNP rs781238013, ClinGen allele CA8816532.
Genomic context (GRCh38, chr17:80,188,543, plus strand): 5'-ATGAGGAGCTGAACCGCCTGAAGGAGGAGAATGAGAAACTGCGCTCGCTGACTTTCAGCC[T>A]GGTAGGTTCCGGTCCCCGCAGCAGAGAGCGGCCTCCTGCCTTGGGGGCTTGGCCCTCAGG-3'
Protein context (NP_001353314.1, residues 271-291): NEKLRSLTFS[Leu281Gln]AEKDILEQSL